The following is an entry in ClinVar:

NM_145207.3(AFG2A):c.825T>G (p.Pro275=)

Gene: AFG2A (AAA ATPase AFG2A; plus strand). Cytogenetic location: 4q28.1.
Variant type: single nucleotide variant.
Coding change: c.825T>G on transcript NM_145207.3 (MANE Select); coding-DNA position 825, T replaced by G.
Protein change: p.Pro275=; no amino-acid change (proline 275 retained).
Molecular consequence: synonymous variant.
Genome position (GRCh38, 1-based): chr4:122,934,416, T>G. VCF-style: chr4-122934416-T-G. GRCh37 (hg19) VCF-style: chr4-123855571-T-G.
Other names: c.822T>G, p.Pro274= (NM_001317799.2, NM_001345856.2).
Identifiers: ClinVar variation 767120 (VCV000767120.8), dbSNP rs533190093, ClinGen allele CA3070326.
Genomic context (GRCh38, chr4:122,934,416, plus strand): 5'-AATTGATGACAGAATTACAAATAAAGCCAGTGATGTTTTGCTGGATGTTACACAGAGCCC[T>G]GGAGATGGCAGTGGACTTATGCTAGAGGAAGTCACAGGTCTTAAATGTAATTTTGAATCT-3'
Protein context (NP_660208.2, residues 265-285): SDVLLDVTQS[Pro275=]GDGSGLMLEE

ClinVar aggregate classification (germline): Likely benign. Review status: criteria provided, multiple submitters, no conflicts (2 of 4 stars). 2 submissions from 2 submitters: Likely benign (2). Last evaluated 2026-07-01.

Conditions:
Microcephaly-intellectual disability-sensorineural hearing loss-epilepsy-abnormal muscle tone syndrome (NEDHSB). Also called: NEURODEVELOPMENTAL DISORDER WITH HEARING LOSS, SEIZURES, AND BRAIN ABNORMALITIES. Identifiers: Orphanet 457351, MedGen C4225276, MONDO:0014698, OMIM 616577.

Allele frequency attached by ClinVar (database versions not stated): TOPMed below 0.00001; gnomAD 0.00001; gnomAD exomes 0.00001; ExAC 0.00002; 1000 Genomes Project 30x 0.00016; 1000 Genomes Project 0.00020.
gnomAD v4.1: 7 of 1,614,220 alleles (0.00043%); highest among the groups gnomAD compares: Middle Eastern, 0.016%; no homozygotes.

Submissions (2):

CeGaT Center for Human Genetics Tuebingen
Classification: Likely benign. Last evaluated: 2026-07-01. Review status: criteria provided, single submitter. Criteria: CeGaT Center For Human Genetics Tuebingen Variant Classification Criteria Version 2. Collection method: clinical testing. Allele origin: germline. Affected: yes. Observed: 1 variant allele.
Comment: AFG2A: BP4, BP7

Labcorp Genetics (formerly Invitae), Labcorp
Classification: Likely benign for Microcephaly-intellectual disability-sensorineural hearing loss-epilepsy-abnormal muscle tone syndrome. Last evaluated: 2020-06-03. Review status: criteria provided, single submitter. Criteria: Invitae Variant Classification Sherloc (09022015). Collection method: clinical testing. Allele origin: germline.